The following is an entry in ClinVar:

ClinVar aggregate classification (germline): Uncertain significance (1 of 4 stars; one submission).

Conditions:
Short-rib thoracic dysplasia 6 with or without polydactyly (SRTD6). Also called: POLYDACTYLY WITH NEONATAL CHONDRODYSTROPHY, TYPE II; SHORT-RIB THORACIC DYSPLASIA 6 WITH POLYDACTYLY; SHORT-RIB THORACIC DYSPLASIA 6 WITHOUT POLYDACTYLY; Majewski Syndrome; SHORT RIB-POLYDACTYLY SYNDROME, TYPE IIA. Identifiers: MedGen C0024507, MONDO:0009894, OMIM 263520.

Allele frequency attached by ClinVar (database versions not stated): gnomAD exomes below 0.00001 and 0.00001; ExAC 0.00003.
gnomAD v4.1: 2 of 1,575,512 alleles (0.00013%); highest among the groups gnomAD compares: East Asian, 0.0046%; no homozygotes.

Submission:

Labcorp Genetics (formerly Invitae), Labcorp
Classification: Uncertain significance for Short-rib thoracic dysplasia 6 with or without polydactyly. Last evaluated: 2024-01-29. Review status: criteria provided, single submitter. Criteria: Invitae Variant Classification Sherloc (09022015). Collection method: clinical testing. Allele origin: germline.
Comment: This sequence change falls in intron 33 of the NEK1 gene. It does not directly change the encoded amino acid sequence of the NEK1 protein. It affects a nucleotide within the consensus splice site. This variant is present in population databases (rs777525553, gnomAD 0.01%). This variant has not been reported in the literature in individuals affected with NEK1-related conditions. ClinVar contains an entry for this variant (Variation ID: 1377401). Variants that disrupt the consensus splice site are a relatively common cause of aberrant splicing (PMID: 17576681, 9536098). Algorithms developed to predict the effect of sequence changes on RNA splicing suggest that this variant is not likely to affect RNA splicing. In summary, the available evidence is currently insufficient to determine the role of this variant in disease. Therefore, it has been classified as a Variant of Uncertain Significance.

Literature cited by the submitters: PubMed 17576681; PubMed 9536098.

NM_001199397.3(NEK1):c.3847+6A>G

Gene: NEK1 (NIMA related kinase 1; minus strand). Cytogenetic location: 4q33.
Variant type: single nucleotide variant.
Coding change: c.3847+6A>G on transcript NM_001199397.3 (MANE Select); 6 bases into the intron after coding-DNA position 3847, A replaced by G.
Molecular consequence: intron variant.
Genome position (GRCh38, 1-based): chr4:169,400,219, T>C on the plus strand (A>G on the coding strand, the complement: NEK1 is on the minus strand). VCF-style: chr4-169400219-T-C. GRCh37 (hg19) VCF-style: chr4-170321370-T-C.
Other names: c.3364+6A>G (NM_001374421.1); c.3712+6A>G (NM_001374420.1); c.3556+6A>G (NM_001199399.3); c.3715+6A>G (NM_001199398.3); c.3763+6A>G (NM_001374419.1, NM_012224.4); c.3631+6A>G (NM_001199400.3); c.3847+6A>G (NM_001374418.1).
Identifiers: ClinVar variation 1377401 (VCV001377401.6), dbSNP rs777525553, ClinGen allele CA3137083.